The following is an entry in ClinVar:

ClinVar aggregate classification (germline): Uncertain significance (1 of 4 stars; one submission).

Allele frequency attached by ClinVar (database versions not stated): gnomAD exomes below 0.00001.
gnomAD v4.1: 1 of 1,613,908 alleles (0.000062%); highest among the groups gnomAD compares: Middle Eastern, 0.017%; no homozygotes.

Submission:

Labcorp Genetics (formerly Invitae), Labcorp
Classification: Uncertain significance. Last evaluated: 2022-04-11. Review status: criteria provided, single submitter. Criteria: Invitae Variant Classification Sherloc (09022015). Collection method: clinical testing. Allele origin: germline.
Comment: Algorithms developed to predict the effect of missense changes on protein structure and function (SIFT, PolyPhen-2, Align-GVGD) all suggest that this variant is likely to be disruptive. This variant has not been reported in the literature in individuals affected with ZNF408-related conditions. This variant is not present in population databases (gnomAD no frequency). This sequence change replaces valine, which is neutral and non-polar, with glycine, which is neutral and non-polar, at codon 157 of the ZNF408 protein (p.Val157Gly). In summary, the available evidence is currently insufficient to determine the role of this variant in disease. Therefore, it has been classified as a Variant of Uncertain Significance.

NM_024741.3(ZNF408):c.470T>G (p.Val157Gly)

Gene: ZNF408 (zinc finger protein 408; plus strand). Cytogenetic location: 11p11.2.
Variant type: single nucleotide variant.
Coding change: c.470T>G on transcript NM_024741.3 (MANE Select); coding-DNA position 470, T replaced by G.
Protein change: p.Val157Gly; replaces valine 157 with glycine.
Molecular consequence: missense variant.
Genome position (GRCh38, 1-based): chr11:46,703,061, T>G. VCF-style: chr11-46703061-T-G. GRCh37 (hg19) VCF-style: chr11-46724611-T-G.
Other names: c.446T>G, p.Val149Gly (NM_001184751.2); short protein forms V157G, V149G.
Identifiers: ClinVar variation 2122501 (VCV002122501.4), dbSNP rs2502788975, ClinGen allele CA380252318.